The following is an entry in ClinVar:

ClinVar aggregate classification (germline): Benign (3 of 4 stars; one submission).

Conditions:
Breast-ovarian cancer, familial, susceptibility to, 1 (BROVCA1). Also called: BRCA1 Hereditary Breast and Ovarian Cancer; OVARIAN CANCER, SUSCEPTIBILITY TO. Identifiers: Orphanet 145, MedGen C2676676, MONDO:0011450, OMIM 604370. Disease mechanism: loss of function.

Allele frequency attached by ClinVar (database versions not stated): TOPMed 0.30186; gnomAD 0.30937 and 0.31701; 1000 Genomes Project 30x 0.34728; 1000 Genomes Project 0.35304.
gnomAD v4.1: 47,640 of 150,244 alleles (32%); highest among the groups gnomAD compares: South Asian, 49%; 7,848 homozygotes.

Submission:

Evidence-based Network for the Interpretation of Germline Mutant Alleles (ENIGMA)
Classification: Benign for Breast-ovarian cancer, familial 1. Last evaluated: 2015-01-12. Review status: reviewed by expert panel. Criteria: ENIGMA BRCA1/2 Classification Criteria (2015). Collection method: curation. Allele origin: germline.
Comment: Class 1 not pathogenic based on frequency >1% in an outbred sampleset. Frequency 0.3304 (Asian), 0.2154 (African), 0.3588 (European), derived from 1000 genomes (2012-04-30).

NM_007294.4(BRCA1):c.212+430G>A

Gene: BRCA1 (BRCA1 DNA repair associated; minus strand). Cytogenetic location: 17q21.31.
Variant type: single nucleotide variant.
Coding change: c.212+430G>A on transcript NM_007294.4 (MANE Select); 430 bases into the intron after coding-DNA position 212, G replaced by A.
Molecular consequence: intron variant.
Genome position (GRCh38, 1-based): chr17:43,106,026, C>T on the plus strand (G>A on the coding strand, the complement: BRCA1 is on the minus strand). VCF-style: chr17-43106026-C-T. GRCh37 (hg19) VCF-style: chr17-41258043-C-T.
Other names: IVS 5+430G>A; c.71+430G>A (NM_001408458.1, NM_001407931.1, NM_001407747.1 and 99 more transcripts); c.-218-11166G>A (NM_001407967.1, NM_001407966.1); c.-169-1070G>A (NM_001407959.1, NM_001407962.1, NM_001408512.1 and 4 more transcripts); c.2+452G>A (NM_001407885.1, NM_001407886.1, NM_001407898.1 and 58 more transcripts); c.212+430G>A (NM_001407686.1, NM_001408397.1, NM_001407632.1 and 167 more transcripts); c.81-1070G>A (NM_001408451.1); c.135-1070G>A (NM_001408475.1, NM_001407875.1, NM_001407659.1 and 21 more transcripts).
Identifiers: ClinVar variation 209491 (VCV000209491.2), dbSNP rs8176130, ClinGen allele CA276461.